The following is an entry in ClinVar:

ClinVar aggregate classification (germline): Uncertain significance. Review status: criteria provided, multiple submitters, no conflicts (2 of 4 stars). 2 submissions from 2 submitters: Uncertain significance (2). Last evaluated 2025-08-11.

Conditions:
Hereditary cancer-predisposing syndrome. Also called: Neoplastic Syndromes, Hereditary; Hereditary neoplastic syndrome; Tumor predisposition; Hereditary Cancer Syndrome. Identifiers: Orphanet 140162, MedGen C0027672, MeSH D009386, MONDO:0015356.
Bloom syndrome (BLM). Also called: Bloom-Torre-Machacek syndrome. Identifiers: Orphanet 125, MedGen C0005859, MONDO:0008876, OMIM 210900.

Submissions (2):

Ambry Genetics
Classification: Uncertain significance for Hereditary cancer-predisposing syndrome. Last evaluated: 2025-08-11. Review status: criteria provided, single submitter. Criteria: Ambry Variant Classification Scheme 2023. Collection method: clinical testing. Allele origin: germline.
Comment: The p.K205E variant (also known as c.613A>G), located in coding exon 2 of the BLM gene, results from an A to G substitution at nucleotide position 613. The lysine at codon 205 is replaced by glutamic acid, an amino acid with similar properties. This amino acid position is conserved. In addition, this alteration is predicted to be tolerated by in silico analysis. Based on the available evidence, the clinical significance of this variant remains unclear.

Labcorp Genetics (formerly Invitae), Labcorp
Classification: Uncertain significance for Bloom syndrome. Last evaluated: 2023-10-27. Review status: criteria provided, single submitter. Criteria: Invitae Variant Classification Sherloc (09022015). Collection method: clinical testing. Allele origin: germline.
Comment: This sequence change replaces lysine, which is basic and polar, with glutamic acid, which is acidic and polar, at codon 205 of the BLM protein (p.Lys205Glu). This variant is not present in population databases (gnomAD no frequency). This variant has not been reported in the literature in individuals affected with BLM-related conditions. Algorithms developed to predict the effect of missense changes on protein structure and function output the following: SIFT: "Not Available"; PolyPhen-2: "Benign"; Align-GVGD: "Not Available". The glutamic acid amino acid residue is found in multiple mammalian species, which suggests that this missense change does not adversely affect protein function. In summary, the available evidence is currently insufficient to determine the role of this variant in disease. Therefore, it has been classified as a Variant of Uncertain Significance.

NM_000057.4(BLM):c.613A>G (p.Lys205Glu)

Gene: BLM (BLM RecQ like helicase; plus strand). Cytogenetic location: 15q26.1.
Variant type: single nucleotide variant.
Coding change: c.613A>G on transcript NM_000057.4 (MANE Select); coding-DNA position 613, A replaced by G.
Protein change: p.Lys205Glu; replaces lysine 205 with glutamic acid.
Molecular consequence: missense variant. On other transcripts: 5 prime UTR variant (1).
Genome position (GRCh38, 1-based): chr15:90,749,881, A>G. VCF-style: chr15-90749881-A-G. GRCh37 (hg19) VCF-style: chr15-91293111-A-G.
Other names: c.613A>G, p.Lys205Glu (NM_001287246.2, NM_001287247.2); c.-679A>G (NM_001287248.2); short protein forms K205E.
Identifiers: ClinVar variation 2893447 (VCV002893447.4), dbSNP rs2505393680, ClinGen allele CA393841170.